The following is an entry in ClinVar:

ClinVar aggregate classification (germline): Uncertain significance (1 of 4 stars; one submission).

gnomAD v4.1: 8 of 1,569,446 alleles (0.00051%); highest among the groups gnomAD compares: Non-Finnish European, 0.00069%; no homozygotes.

Submission:

Laboratory for Molecular Medicine, Mass General Brigham Personalized Medicine
Classification: Uncertain significance. Last evaluated: 2013-10-11. Review status: criteria provided, single submitter. Criteria: LMM Criteria. Collection method: clinical testing. Allele origin: germline. Observed: 1 variant allele.
Comment: Variant classified as Uncertain Significance - Favor Benign. The Ile3337Leu vari ant in DNAH11 has not been previously identified in individuals with pulmonary d isease or in large population studies. Isoleucine (Ile) at position 3337 is poor ly conserved in evolution and at least 1 mammal (armadillo) carries the variant amino acid, raising the possibility that this change may be tolerated. Additiona l computational analyses (biochemical amino acid properties, AlignGVGD, PolyPhen 2, and SIFT) also suggest that this variant may not impact the protein, though t his information is not predictive enough to rule out pathogenicity. In summary, the lack of evolutionary conservation suggests that this variant may be more lik ely benign, but additional information is needed to fully assess its clinical si gnificance.

NM_001277115.2(DNAH11):c.10009A>C (p.Ile3337Leu)

Gene: DNAH11 (dynein axonemal heavy chain 11; plus strand). Cytogenetic location: 7p15.3.
Variant type: single nucleotide variant.
Coding change: c.10009A>C on transcript NM_001277115.2 (MANE Select); coding-DNA position 10009, A replaced by C.
Protein change: p.Ile3337Leu; replaces isoleucine 3337 with leucine.
Molecular consequence: missense variant.
Genome position (GRCh38, 1-based): chr7:21,789,325, A>C. VCF-style: chr7-21789325-A-C. GRCh37 (hg19) VCF-style: chr7-21828943-A-C.
Other names: short protein forms I3337L.
Identifiers: ClinVar variation 179213 (VCV000179213.4), dbSNP rs145645790, ClinGen allele CA183964.